The following is an entry in ClinVar:

ClinVar aggregate classification (germline): Uncertain significance. Review status: criteria provided, multiple submitters, no conflicts (2 of 4 stars). 3 submissions from 3 submitters: Uncertain significance (3). Last evaluated 2024-05-24.

Conditions:
Primary ciliary dyskinesia. Also called: Ciliary dyskinesia. Identifiers: Orphanet 244, MedGen C0008780, MONDO:0016575, HP:0012265.

Allele frequency attached by ClinVar (database versions not stated): gnomAD exomes 0.00001; ExAC 0.00002; gnomAD 0.00005; TOPMed 0.00006.
gnomAD v4.1: 26 of 1,605,082 alleles (0.0016%); highest among the groups gnomAD compares: African/African-American, 0.011%; no homozygotes.

Submissions (3):

Ambry Genetics
Classification: Uncertain significance for Primary ciliary dyskinesia. Last evaluated: 2024-05-24. Review status: criteria provided, single submitter. Criteria: Ambry Variant Classification Scheme 2023. Collection method: clinical testing. Allele origin: germline.

Blueprint Genetics
Classification: Uncertain significance. Last evaluated: 2023-09-16. Review status: criteria provided, single submitter. Criteria: ACMG Guidelines, 2015. Collection method: clinical testing. Allele origin: germline.

Labcorp Genetics (formerly Invitae), Labcorp
Classification: Uncertain significance for Primary ciliary dyskinesia. Last evaluated: 2022-07-15. Review status: criteria provided, single submitter. Criteria: Invitae Variant Classification Sherloc (09022015). Collection method: clinical testing. Allele origin: germline.
Comment: This sequence change replaces arginine, which is basic and polar, with glutamine, which is neutral and polar, at codon 463 of the CCDC39 protein (p.Arg463Gln). This variant is present in population databases (rs747905187, gnomAD 0.004%). This variant has not been reported in the literature in individuals affected with CCDC39-related conditions. Algorithms developed to predict the effect of missense changes on protein structure and function are either unavailable or do not agree on the potential impact of this missense change (SIFT: "Tolerated"; PolyPhen-2: "Possibly Damaging"; Align-GVGD: "Class C0"). In summary, the available evidence is currently insufficient to determine the role of this variant in disease. Therefore, it has been classified as a Variant of Uncertain Significance.

NM_181426.2(CCDC39):c.1388G>A (p.Arg463Gln)

Gene: CCDC39 (coiled-coil domain 39 molecular ruler complex subunit; minus strand). Cytogenetic location: 3q26.33.
Variant type: single nucleotide variant.
Coding change: c.1388G>A on transcript NM_181426.2 (MANE Select); coding-DNA position 1388, G replaced by A.
Protein change: p.Arg463Gln; replaces arginine 463 with glutamine.
Molecular consequence: missense variant.
Genome position (GRCh38, 1-based): chr3:180,647,218, C>T on the plus strand (G>A on the coding strand, the complement: CCDC39 is on the minus strand). VCF-style: chr3-180647218-C-T. GRCh37 (hg19) VCF-style: chr3-180365006-C-T.
Other names: c.1388G>A (NM_181426.1); short protein forms R463Q.
Identifiers: ClinVar variation 1928296 (VCV001928296.4), dbSNP rs747905187, ClinGen allele CA2715946.